The following is an entry in ClinVar:

ClinVar aggregate classification (germline): Pathogenic (1 of 4 stars; one submission).

Conditions:
Epidermolysis bullosa simplex with nail dystrophy (EBS5D). Identifiers: MedGen C4225309, MONDO:0014661, OMIM 616487.
Epidermolysis bullosa simplex 5C, with pyloric atresia (EBS5C). Also called: PLEC-Related Epidermolysis Bullosa with Pyloric Atresia; Epidermolysis bullosa simplex with pyloric atresia; PLEC1-Related Epidermolysis Bullosa with Pyloric Atresia. Identifiers: Orphanet 158684, MedGen C2677349, MONDO:0012807, OMIM 612138.
Autosomal recessive limb-girdle muscular dystrophy type 2Q (LGMDR17). Also called: MUSCULAR DYSTROPHY, LIMB-GIRDLE, AUTOSOMAL RECESSIVE 17. Identifiers: Orphanet 254361, MedGen C3150989, MONDO:0013390, OMIM 613723.
Epidermolysis bullosa simplex, Ogna type (EBS5A). Also called: Pidermolysis bullosa simplex 5A, Ogna type; EPIDERMOLYSIS BULLOSA SIMPLEX 5A, OGNA TYPE. Identifiers: Orphanet 79401, MedGen C0432317, MONDO:0007555, OMIM 131950.
Epidermolysis bullosa simplex 5B, with muscular dystrophy (EBS5B). Also called: EPIDERMOLYSIS BULLOSA SIMPLEX AND LIMB-GIRDLE MUSCULAR DYSTROPHY; Epidermolysis bullosa simplex with muscular dystrophy. Identifiers: Orphanet 257, MedGen C2931072, MONDO:0009181, OMIM 226670.

Submission:

Labcorp Genetics (formerly Invitae), Labcorp
Classification: Pathogenic for Autosomal recessive limb-girdle muscular dystrophy type 2Q; Epidermolysis bullosa simplex, Ogna type; Epidermolysis bullosa simplex with nail dystrophy; Epidermolysis bullosa simplex 5C, with pyloric atresia; Epidermolysis bullosa simplex 5B, with muscular dystrophy. Last evaluated: 2023-03-20. Review status: criteria provided, single submitter. Criteria: Invitae Variant Classification Sherloc (09022015). Collection method: clinical testing. Allele origin: germline.
Comment: This sequence change creates a premature translational stop signal (p.Glu2036Argfs*6) in the PLEC gene. It is expected to result in an absent or disrupted protein product. Loss-of-function variants in PLEC are known to be pathogenic (PMID: 20301336, 20447487, 21109228, 23289980, 28824526). This variant is not present in population databases (gnomAD no frequency). This variant has not been reported in the literature in individuals affected with PLEC-related conditions. For these reasons, this variant has been classified as Pathogenic.

Literature cited by the submitters: PubMed 20301336; PubMed 20447487; PubMed 21109228; PubMed 23289980; PubMed 28824526.

NM_201384.3(PLEC):c.6025del (p.Glu2009fs)

Gene: PLEC (plectin; minus strand). Cytogenetic location: 8q24.3.
Variant type: Deletion.
Coding change: c.6025del on transcript NM_201384.3 (MANE Select); coding-DNA position 6025, one base deleted (G; older notation c.6025delG).
Protein change: p.Glu2009fs; shifts the reading frame from glutamic acid 2009.
Molecular consequence: frameshift variant. On other transcripts: intron variant (1).
Genome position (GRCh38, 1-based): chr8:143,923,904, C deleted on the plus strand (G on the coding strand, the reverse complement: PLEC is on the minus strand); the first of 2 consecutive C bases (chr8:143,923,904-143,923,905); deleting either gives the same sequence. VCF-style (leftmost placement, unchanged base first): chr8-143923903-TC-T. GRCh37 (hg19) VCF-style: chr8-144998071-TC-T.
Other names: c.6106del, p.Glu2036fs (NM_000445.5); c.5983del, p.Glu1995fs (NM_201378.4); c.5959del, p.Glu1987fs (NM_201379.3); c.6436del, p.Glu2146fs (NM_201380.4); c.5929del, p.Glu1977fs (NM_201381.3); c.6025del, p.Glu2009fs (NM_201382.4); c.6037del, p.Glu2013fs (NM_201383.3); c.4126-1509del (NM_001410941.1); short protein forms E1977fs, E2036fs, E2009fs, E1987fs, E2013fs, E1995fs, E2146fs.
Identifiers: ClinVar variation 2935255 (VCV002935255.3), dbSNP rs2537814042, ClinGen allele CA2740095392.